The following is an entry in ClinVar:

ClinVar aggregate classification (germline): Uncertain significance (1 of 4 stars; one submission).

Conditions:
Agammaglobulinemia 2, autosomal recessive (AGM2). Also called: AGAMMAGLOBULINEMIA, AUTOSOMAL RECESSIVE, DUE TO IGLL1 DEFECT. Identifiers: MedGen C3150750, MONDO:0013287, OMIM 613500.

Allele frequency attached by ClinVar (database versions not stated): ExAC 0.00001; gnomAD 0.00001 and 0.00002; TOPMed 0.00001; gnomAD exomes 0.00002.
gnomAD v4.1: 28 of 1,613,838 alleles (0.0017%); highest among the groups gnomAD compares: East Asian, 0.013%; no homozygotes.

Submission:

Labcorp Genetics (formerly Invitae), Labcorp
Classification: Uncertain significance for Agammaglobulinemia 2, autosomal recessive. Last evaluated: 2025-10-21. Review status: criteria provided, single submitter. Criteria: Invitae Variant Classification Sherloc (09022015). Collection method: clinical testing. Allele origin: germline.
Comment: This sequence change replaces valine, which is neutral and non-polar, with methionine, which is neutral and non-polar, at codon 203 of the IGLL1 protein (p.Val203Met). This variant is present in population databases (rs771552908, gnomAD 0.006%). This variant has not been reported in the literature in individuals affected with IGLL1-related conditions. ClinVar contains an entry for this variant (Variation ID: 538827). An algorithm developed to predict the effect of missense changes on protein structure and function (PolyPhen-2) suggests that this variant is likely to be tolerated. In summary, the available evidence is currently insufficient to determine the role of this variant in disease. Therefore, it has been classified as a Variant of Uncertain Significance.

NM_020070.4(IGLL1):c.607G>A (p.Val203Met)

Gene: IGLL1 (immunoglobulin lambda like polypeptide 1; minus strand). Cytogenetic location: 22q11.23.
Variant type: single nucleotide variant.
Coding change: c.607G>A on transcript NM_020070.4 (MANE Select); coding-DNA position 607, G replaced by A.
Protein change: p.Val203Met; replaces valine 203 with methionine.
Molecular consequence: missense variant. On other transcripts: 3 prime UTR variant (1).
Genome position (GRCh38, 1-based): chr22:23,573,301, C>T on the plus strand (G>A on the coding strand, the complement: IGLL1 is on the minus strand). VCF-style: chr22-23573301-C-T. GRCh37 (hg19) VCF-style: chr22-23915488-C-T.
Other names: c.610G>A, p.Val204Met (NM_001369906.1); c.*236G>A (NM_152855.3); short protein forms V203M, V204M.
Identifiers: ClinVar variation 538827 (VCV000538827.10), dbSNP rs771552908, ClinGen allele CA10143210.